The following is an entry in ClinVar:

ClinVar aggregate classification (germline): Uncertain significance (1 of 4 stars; one submission).

Allele frequency attached by ClinVar (database versions not stated): ExAC 0.00001; gnomAD 0.00001; gnomAD exomes 0.00001; TOPMed 0.00001; 1000 Genomes Project 30x 0.00016; 1000 Genomes Project 0.00020.
gnomAD v4.1: 11 of 1,614,116 alleles (0.00068%); highest among the groups gnomAD compares: South Asian, 0.0044%; no homozygotes.

Submission:

Labcorp Genetics (formerly Invitae), Labcorp
Classification: Uncertain significance. Last evaluated: 2025-04-14. Review status: criteria provided, single submitter. Criteria: Invitae Variant Classification Sherloc (09022015). Collection method: clinical testing. Allele origin: germline.
Comment: This sequence change replaces alanine, which is neutral and non-polar, with valine, which is neutral and non-polar, at codon 463 of the C1S protein (p.Ala463Val). This variant is present in population databases (rs375077429, gnomAD 0.003%). This variant has not been reported in the literature in individuals affected with C1S-related conditions. ClinVar contains an entry for this variant (Variation ID: 2171542). Invitae Evidence Modeling of protein sequence and biophysical properties (such as structural, functional, and spatial information, amino acid conservation, physicochemical variation, residue mobility, and thermodynamic stability) indicates that this missense variant is not expected to disrupt C1S protein function with a negative predictive value of 80%. In summary, the available evidence is currently insufficient to determine the role of this variant in disease. Therefore, it has been classified as a Variant of Uncertain Significance.

NM_001734.5(C1S):c.1388C>T (p.Ala463Val)

Gene: C1S (complement C1s; plus strand). Cytogenetic location: 12p13.31.
Variant type: single nucleotide variant.
Coding change: c.1388C>T on transcript NM_001734.5 (MANE Select); coding-DNA position 1388, C replaced by T.
Protein change: p.Ala463Val; replaces alanine 463 with valine.
Molecular consequence: missense variant.
Genome position (GRCh38, 1-based): chr12:7,069,972, C>T. VCF-style: chr12-7069972-C-T. GRCh37 (hg19) VCF-style: chr12-7177276-C-T.
Other names: c.887C>T, p.Ala296Val (NM_001346850.2); c.1388C>T, p.Ala463Val (NM_201442.4); short protein forms A463V, A296V.
Identifiers: ClinVar variation 2171542 (VCV002171542.4), dbSNP rs375077429, ClinGen allele CA6423780.